The following is an entry in ClinVar:

ClinVar aggregate classification (germline): Uncertain significance (1 of 4 stars; one submission).

Conditions:
RASopathy. Also called: Noonan spectrum disorder; rasopathies. Identifiers: Orphanet 536391, MedGen C5555857, MONDO:0021060.

Submission:

Labcorp Genetics (formerly Invitae), Labcorp
Classification: Uncertain significance for RASopathy. Last evaluated: 2023-09-25. Review status: criteria provided, single submitter. Criteria: Invitae Variant Classification Sherloc (09022015). Collection method: clinical testing. Allele origin: unknown.
Comment: In summary, the available evidence is currently insufficient to determine the role of this variant in disease. Therefore, it has been classified as a Variant of Uncertain Significance. Experimental studies and prediction algorithms are not available or were not evaluated, and the functional significance of this variant is currently unknown. This variant has not been reported in the literature in individuals affected with RAF1-related conditions. This variant results in a copy number gain of the genomic region encompassing exon(s) 11-17 of the RAF1 gene. This region includes the termination codon of the gene. This copy number gain extends beyond the assayed region for this gene and therefore may encompass additional genes. As the precise location of this event is unknown, it may be in tandem or it may be located elsewhere in the genome.

NC_000003.11:g.(?_12626013)_(12633311_?)dup

Gene: RAF1 (Raf-1 proto-oncogene, serine/threonine kinase; minus strand). Cytogenetic location: 3p25.2.
Variant type: Duplication.
Identifiers: ClinVar variation 3246948 (VCV003246948.1).